The following is an entry in ClinVar:

ClinVar aggregate classification (germline): Benign. Review status: reviewed by expert panel (3 of 4 stars). 43 submissions from 41 submitters: Benign (1). 42 of the submissions do not count toward it. Last evaluated 2019-06-18.

Conditions:
BRCA2-related disorder. Also called: BRCA2-related condition; BRCA2-related disorders. Identifiers: MedGen CN239275.
Wilms tumor 1 (WT1). Also called: Wilms tumor, somatic. Identifiers: Orphanet 654, MedGen CN033288, MONDO:0008679, OMIM 194070.
Medulloblastoma (MDB). Also called: Medulloblastoma, somatic; MEDULLOBLASTOMA PREDISPOSITION SYNDROME. Identifiers: Orphanet 616, MedGen C0025149, MeSH D008527, MONDO:0007959, OMIM 155255, HP:0002885.
Breast-ovarian cancer, familial, susceptibility to, 2 (BROVCA2). Also called: BRCA2 Hereditary Breast and Ovarian Cancer. Identifiers: Orphanet 145, MedGen C2675520, MONDO:0012933, OMIM 612555. Disease mechanism: loss of function.
Familial cancer of breast. Also called: Hereditary breast cancer; hereditary breast carcinoma; BREAST CANCER, FAMILIAL. Identifiers: Orphanet 227535, MedGen C0346153, MONDO:0016419, OMIM 114480. Disease mechanism: loss of function.
Glioma susceptibility 3 (GLM3). Also called: Glioblastoma 3. Identifiers: Orphanet 182067, Orphanet 360, MedGen C2751641, MONDO:0013093, OMIM 613029.
Pancreatic cancer, susceptibility to, 2. Identifiers: Orphanet 1333, MedGen C3150546, MONDO:0013235, OMIM 613347.
Prostate cancer. Also called: Malignant tumor of prostate. Identifiers: Orphanet 1331, MedGen C0376358, MONDO:0008315, HP:0012125.
Fanconi anemia complementation group D1. Also called: BRCA2-Related Fanconi Anemia. Identifiers: Orphanet 319462, MedGen C1838457, MONDO:0011584, OMIM 605724.
Breast and/or ovarian cancer. Identifiers: MedGen CN221562.
Hereditary cancer-predisposing syndrome. Also called: Neoplastic Syndromes, Hereditary; Hereditary neoplastic syndrome; Hereditary Cancer Syndrome; Tumor predisposition. Identifiers: Orphanet 140162, MedGen C0027672, MeSH D009386, MONDO:0015356.
Breast neoplasm. Also called: Breast Neoplasms; Neoplasm of breast; Breast tumor; Neoplasm of the breast. Identifiers: MedGen C1458155, MeSH D001943, MONDO:0021100, HP:0100013. Disease mechanism: gain of function.
Hereditary breast ovarian cancer syndrome. Also called: Hereditary breast and ovarian cancer syndrome (HBOC); Breast and ovarian cancer; BRCA1- and BRCA2-Associated Hereditary Breast and Ovarian Cancer; Hereditary breast and ovarian cancer syndrome; Hereditary breast and ovarian cancer; Hereditary breast and/or ovarian cancer syndrome. Identifiers: Orphanet 145, MedGen C0677776, MeSH D061325, MONDO:0003582. Disease mechanism: loss of function.
Malignant tumor of breast. Also called: Malignant breast neoplasm; Cancer breast. Identifiers: MedGen C0006142, MONDO:0007254. Disease mechanism: loss of function.

Allele frequency attached by ClinVar (database versions not stated): gnomAD 0.00233 and 0.00239; 1000 Genomes Project 30x 0.00062; ESP Exome Variant Server 0.00331; 1000 Genomes Project 0.00060; TOPMed 0.00244.
gnomAD v4.1: 5,758 of 1,614,150 alleles (0.36%); highest among the groups gnomAD compares: Non-Finnish European, 0.46%; 18 homozygotes.

Submissions 1 to 17 of 43:

Evidence-based Network for the Interpretation of Germline Mutant Alleles (ENIGMA)
Classification: Benign for Breast-ovarian cancer, familial, susceptibility to, 2. Last evaluated: 2019-06-18. Review status: reviewed by expert panel. Criteria: ENIGMA BRCA1/2 Classification Criteria (2017-06-29). Collection method: curation. Allele origin: germline.
Comment: IARC class based on posterior probability from multifactorial likelihood analysis, thresholds for class as per Plon et al. 2008 (PMID: 18951446). Class 1 based on posterior probability = 0.000345

CeGaT Center for Human Genetics Tuebingen
Classification: Likely benign. Last evaluated: 2026-09-01. Review status: criteria provided, single submitter. Criteria: CeGaT Center For Human Genetics Tuebingen Variant Classification Criteria Version 2. Collection method: clinical testing. Allele origin: germline. Affected: yes. Observed: 70 variant alleles. Not counted in ClinVar's aggregate classification.
Comment: BRCA2: BP4, BS2

Labcorp Genetics (formerly Invitae), Labcorp
Classification: Benign for Hereditary breast ovarian cancer syndrome. Last evaluated: 2026-02-04. Review status: criteria provided, single submitter. Criteria: Invitae Variant Classification Sherloc (09022015). Collection method: clinical testing. Allele origin: germline. Not counted in ClinVar's aggregate classification.

Dasa
Classification: Benign for Breast-ovarian cancer, familial, susceptibility to, 2. Last evaluated: 2025-10-29. Review status: criteria provided, single submitter. Criteria: DASA Assertion Criteria. Collection method: clinical testing. Allele origin: germline. Not counted in ClinVar's aggregate classification.
Comment: NM_000059.4(BRCA2):c.8182G>A (p.Val2728Ile) is a missense variant that results in the substitution of valine with isoleucine. Population frequency is inconsistent with a disease-causing role for this variant, observations in unaffected individuals support a benign interpretation, and functional evidence is consistent with no deleterious impact on the gene or gene product. Therefore, based on the currently available evidence, this variant is classified as benign.

ARUP Laboratories, Molecular Genetics and Genomics, ARUP Laboratories
Classification: Benign. Last evaluated: 2025-07-03. Review status: criteria provided, single submitter. Criteria: ARUP Molecular Germline Variant Investigation Process 2024. Collection method: clinical testing. Allele origin: germline. Not counted in ClinVar's aggregate classification.

Center for Genomic Medicine, Rigshospitalet, Copenhagen University Hospital
Classification: Benign. Last evaluated: 2025-03-04. Review status: criteria provided, single submitter. Criteria: ACMG Guidelines, 2015. Collection method: clinical testing. Allele origin: germline. Not counted in ClinVar's aggregate classification.

Blueprint Genetics
Classification: Likely benign. Last evaluated: 2024-11-25. Review status: criteria provided, single submitter. Criteria: ACMG Guidelines, 2015. Collection method: clinical testing. Allele origin: germline. Not counted in ClinVar's aggregate classification.

National Health Laboratory Service, Universitas Academic Hospital and University of the Free State
Classification: Benign for Hereditary breast ovarian cancer syndrome. Last evaluated: 2022-04-19. Review status: criteria provided, single submitter. Criteria: ACMG Guidelines, 2015. Collection method: clinical testing. Allele origin: germline. Affected: yes. Observed: 4 variant alleles. Not counted in ClinVar's aggregate classification.

Color Diagnostics, LLC DBA Color Health
Classification: Benign for Hereditary cancer-predisposing syndrome. Last evaluated: 2022-01-02. Review status: criteria provided, single submitter. Criteria: ACMG Guidelines, 2015. Collection method: clinical testing. Allele origin: germline. Not counted in ClinVar's aggregate classification.

Institute for Clinical Genetics, University Hospital TU Dresden, University Hospital TU Dresden
Classification: Benign. Last evaluated: 2021-11-03. Review status: criteria provided, single submitter. Criteria: ACMG Guidelines, 2015. Collection method: clinical testing. Allele origin: germline. Not counted in ClinVar's aggregate classification.

Fulgent Genetics
Classification: Likely benign for Familial cancer of breast; Medulloblastoma; Familial prostate cancer; Wilms tumor 1; Fanconi anemia complementation group D1; Breast-ovarian cancer, familial, susceptibility to, 2; Glioma susceptibility 3; Pancreatic cancer, susceptibility to, 2. Last evaluated: 2021-09-02. Review status: criteria provided, single submitter. Criteria: ACMG Guidelines, 2015. Collection method: clinical testing. Allele origin: unknown. Not counted in ClinVar's aggregate classification.

Sema4
Classification: Benign for Hereditary cancer-predisposing syndrome. Last evaluated: 2020-09-29. Review status: criteria provided, single submitter. Criteria: Sema4 Curation Guidelines. Collection method: curation. Allele origin: germline. Not counted in ClinVar's aggregate classification.

CHEO Genetics Diagnostic Laboratory, Children's Hospital of Eastern Ontario
Classification: Benign for Breast and/or ovarian cancer. Last evaluated: 2020-04-01. Review status: criteria provided, single submitter. Criteria: ACMG Guidelines, 2015. Collection method: clinical testing. Allele origin: germline. Not counted in ClinVar's aggregate classification.

Mendelics
Classification: Likely benign for Breast-ovarian cancer, familial, susceptibility to, 2. Last evaluated: 2019-05-28. Review status: criteria provided, single submitter. Criteria: Mendelics Assertion Criteria 2017. Collection method: clinical testing. Allele origin: unknown. Not counted in ClinVar's aggregate classification.

Illumina Laboratory Services, Illumina
Classification: Likely benign for Breast-ovarian cancer, familial, susceptibility to, 2. Last evaluated: 2018-03-06. Review status: criteria provided, single submitter. Criteria: ICSL Variant Classification Criteria 13 December 2019. Collection method: clinical testing. Allele origin: germline. Not counted in ClinVar's aggregate classification.
Comment: This variant was observed in the ICSL laboratory as part of a predisposition screen in an ostensibly healthy population. It had not been previously curated by ICSL or reported in the Human Gene Mutation Database (HGMD: prior to June 1st, 2018), and was therefore a candidate for classification through an automated scoring system. Utilizing variant allele frequency, disease prevalence and penetrance estimates, and inheritance mode, an automated score was calculated to assess if this variant is too frequent to cause the disease. Based on the score and internal cut-off values, a variant classified as likely benign is not then subjected to further curation. The score for this variant resulted in a classification of likely benign for this disease.

Illumina Laboratory Services, Illumina
Classification: Likely benign for Fanconi anemia complementation group D1. Last evaluated: 2018-03-06. Review status: criteria provided, single submitter. Criteria: ICSL Variant Classification Criteria 13 December 2019. Collection method: clinical testing. Allele origin: germline. Not counted in ClinVar's aggregate classification.
Comment: the same text as in the submission from Illumina Laboratory Services, Illumina above.

Institute for Biomarker Research, Medical Diagnostic Laboratories, L.L.C.
Classification: Likely benign for Hereditary cancer-predisposing syndrome. Last evaluated: 2017-07-12. Review status: criteria provided, single submitter. Criteria: ACMG Guidelines, 2015. Collection method: clinical testing. Allele origin: germline. Not counted in ClinVar's aggregate classification.

NM_000059.4(BRCA2):c.8182G>A (p.Val2728Ile)

Gene: BRCA2 (BRCA2 DNA repair associated; plus strand). Cytogenetic location: 13q13.1.
Variant type: single nucleotide variant.
Coding change: c.8182G>A on transcript NM_000059.4 (MANE Select); coding-DNA position 8182, G replaced by A.
Protein change: p.Val2728Ile; replaces valine 2728 with isoleucine.
Molecular consequence: missense variant.
Genome position (GRCh38, 1-based): chr13:32,363,384, G>A. VCF-style: chr13-32363384-G-A. GRCh37 (hg19) VCF-style: chr13-32937521-G-A.
Other names: p.V2728I:GTT>ATT; NP_000050.3:p.Val2728Ile; short protein forms V2728I.
Identifiers: ClinVar variation 41565 (VCV000041565.118), dbSNP rs28897749, ClinGen allele CA025494.